The following is an entry in ClinVar:

ClinVar aggregate classification (germline): Pathogenic. Review status: criteria provided, multiple submitters, no conflicts (2 of 4 stars). 2 submissions from 2 submitters: Pathogenic (2). Last evaluated 2022-03-01.
ClinVar aggregate classification (oncogenicity): Likely oncogenic (1 of 4 stars; one submission).

Conditions:
Hereditary cancer-predisposing syndrome. Also called: Neoplastic Syndromes, Hereditary; Hereditary Cancer Syndrome; Tumor predisposition; Hereditary neoplastic syndrome. Identifiers: Orphanet 140162, MedGen C0027672, MeSH D009386, MONDO:0015356.
Neoplasm. Also called: Neoplasms; Neoplasm (disease); tumor. Identifiers: MedGen C0027651, MeSH D009369, MONDO:0005070, HP:0002664.

Submissions (3):

Center for Genomic Medicine, Rigshospitalet, Copenhagen University Hospital
Classification: Likely oncogenic for Neoplasm. Last evaluated: 2025-12-29. Review status: criteria provided, single submitter. Criteria: ClinGen/CGC/VICC Guidelines for Oncogenicity, 2022. Collection method: clinical testing. Allele origin: somatic. Affected: yes.

Ambry Genetics
Classification: Pathogenic for Hereditary cancer-predisposing syndrome. Last evaluated: 2022-03-01. Review status: criteria provided, single submitter. Criteria: Ambry Variant Classification Scheme 2023. Collection method: clinical testing. Allele origin: germline.
Comment: The p.S162* pathogenic mutation (also known as c.485C>A), located in coding exon 4 of the TSC1 gene, results from a C to A substitution at nucleotide position 485. This changes the amino acid from a serine to a stop codon within coding exon 4. This variant is considered to be rare based on population cohorts in the Genome Aggregation Database (gnomAD). This alteration is expected to result in loss of function by premature protein truncation or nonsense-mediated mRNA decay. As such, this alteration is interpreted as a disease-causing mutation.

Athena Diagnostics
Classification: Pathogenic. Last evaluated: 2020-08-18. Review status: criteria provided, single submitter. Criteria: Athena Diagnostics Criteria. Collection method: clinical testing. Allele origin: unknown.
Comment: The variant creates a premature nonsense codon, and is therefore predicted to result in the loss of a functional protein. Found in at least one patient with expected phenotype for this gene, and not found in general population data.

Literature cited by the submitters: PubMed 20547222 (cited by Center for Genomic Medicine, Rigshospitalet, Copenhagen University Hospital); PubMed 23401075 (cited by Center for Genomic Medicine, Rigshospitalet, Copenhagen University Hospital).

NM_000368.5(TSC1):c.485C>A (p.Ser162Ter)

Gene: TSC1 (TSC complex subunit 1; minus strand). Cytogenetic location: 9q34.13.
Variant type: single nucleotide variant.
Coding change: c.485C>A on transcript NM_000368.5 (MANE Select); coding-DNA position 485, C replaced by A.
Protein change: p.Ser162Ter; replaces serine 162 with a stop codon.
Molecular consequence: nonsense.
Genome position (GRCh38, 1-based): chr9:132,923,371, G>T on the plus strand (C>A on the coding strand, the complement: TSC1 is on the minus strand). VCF-style: chr9-132923371-G-T. GRCh37 (hg19) VCF-style: chr9-135798758-G-T.
Other names: c.485C>A, p.Ser162Ter (NM_001162426.2); c.332C>A, p.Ser111Ter (NM_001162427.2); c.122C>A, p.Ser41Ter (NM_001362177.2); short protein forms S111*, S162*, S41*.
Identifiers: ClinVar variation 995051 (VCV000995051.4), dbSNP rs1846671628, ClinGen allele CA375373203.